The following is an entry in ClinVar:

NM_000712.4(BLVRA):c.57C>T (p.Ala19=)

Gene: BLVRA (biliverdin reductase A; plus strand). Cytogenetic location: 7p13.
Variant type: single nucleotide variant.
Coding change: c.57C>T on transcript NM_000712.4 (MANE Select); coding-DNA position 57, C replaced by T.
Protein change: p.Ala19=; no amino-acid change (alanine 19 retained).
Molecular consequence: synonymous variant.
Genome position (GRCh38, 1-based): chr7:43,787,948, C>T. VCF-style: chr7-43787948-C-T. GRCh37 (hg19) VCF-style: chr7-43827547-C-T.
Other names: c.57C>T, p.Ala19= (NM_001253823.2).
Identifiers: ClinVar variation 4981565 (VCV004981565.1).

ClinVar aggregate classification (germline): Likely benign (1 of 4 stars; one submission).

Conditions:
BLVRA-related disorder. Also called: BLVRA-related condition.

Submission:

PreventionGenetics, part of Exact Sciences
Classification: Likely benign for BLVRA-related condition. Last evaluated: 2026-06-24. Review status: criteria provided, single submitter. Criteria: ACMG Guidelines, 2015. Collection method: clinical testing. Allele origin: germline.
Comment: This variant is classified as likely benign based on ACMG/AMP sequence variant interpretation guidelines (Richards et al. 2015 PMID: 25741868, with internal and published modifications).